The following is an entry in ClinVar:

NM_001354768.3(NRL):c.364G>A (p.Gly122Arg)

Gene: NRL (neural retina leucine zipper; minus strand). Cytogenetic location: 14q11.2.
Variant type: single nucleotide variant.
Coding change: c.364G>A on transcript NM_001354768.3 (MANE Select); coding-DNA position 364, G replaced by A.
Protein change: p.Gly122Arg; replaces glycine 122 with arginine.
Molecular consequence: missense variant. On other transcripts: intron variant (1).
Genome position (GRCh38, 1-based): chr14:24,082,485, C>T on the plus strand (G>A on the coding strand, the complement: NRL is on the minus strand). VCF-style: chr14-24082485-C-T. GRCh37 (hg19) VCF-style: chr14-24551694-C-T.
Other names: c.364G>A, p.Gly122Arg (NM_001354769.1, NM_006177.5); c.66+298G>A (NM_001354770.2); c.364G>A (NM_006177.3); short protein forms G122R.
Identifiers: ClinVar variation 1042538 (VCV001042538.12), dbSNP rs778579419, ClinGen allele CA7122874.

ClinVar aggregate classification (germline): Uncertain significance. Review status: criteria provided, multiple submitters, no conflicts (2 of 4 stars). 4 submissions from 4 submitters: Uncertain significance (4). Last evaluated 2026-02-12.

Conditions:
Inborn genetic diseases. Identifiers: MedGen C0950123, MeSH D030342.
NRL-related disorder. Also called: NRL-related condition.

Allele frequency attached by ClinVar (database versions not stated): gnomAD exomes 0.00002 and 0.00003; ExAC 0.00003; gnomAD 0.00003 and 0.00004; TOPMed 0.00004.
gnomAD v4.1: 37 of 1,612,632 alleles (0.0023%); highest among the groups gnomAD compares: Admixed American, 0.015%; no homozygotes.

Submissions (4):

PreventionGenetics, part of Exact Sciences
Classification: Uncertain significance for NRL-related condition. Last evaluated: 2026-02-12. Review status: criteria provided, single submitter. Criteria: ACMG Guidelines, 2015. Collection method: clinical testing. Allele origin: germline.
Comment: The NRL c.364G>A variant is predicted to result in the amino acid substitution p.Gly122Arg. To our knowledge, this variant has not been reported in the literature. This variant is reported in 0.029% of alleles in individuals of Ashkenazi Jewish descent in gnomAD. An alternative variant affecting the same amino acid position, c.365G>A, p.(Gly122Glu), has been reported in individuals with retinitis pigmentosa (Martinez-Gimeno et al. 2001. PubMed ID: 11385710; Kanda et al. 2007. PubMed ID: 17335001); however, functional studies of this alternate variant did not reveal significant differences from wild-type (Kanda et al. 2007. PubMed ID: 17335001). At this time, the clinical significance of this c.364G>A, p.(Gly122Arg) variant is uncertain due to the absence of conclusive functional and genetic evidence.

Ambry Genetics
Classification: Uncertain significance for Inborn genetic diseases. Last evaluated: 2025-11-11. Review status: criteria provided, single submitter. Criteria: Ambry Variant Classification Scheme 2023. Collection method: clinical testing. Allele origin: germline.

Labcorp Genetics (formerly Invitae), Labcorp
Classification: Uncertain significance. Last evaluated: 2025-11-04. Review status: criteria provided, single submitter. Criteria: Invitae Variant Classification Sherloc (09022015). Collection method: clinical testing. Allele origin: germline.
Comment: This sequence change replaces glycine, which is neutral and non-polar, with arginine, which is basic and polar, at codon 122 of the NRL protein (p.Gly122Arg). The frequency data for this variant in the population databases is considered unreliable, as metrics indicate poor data quality at this position in the gnomAD database. This variant has not been reported in the literature in individuals affected with NRL-related conditions. ClinVar contains an entry for this variant (Variation ID: 1042538). An algorithm developed to predict the effect of missense changes on protein structure and function (PolyPhen-2) suggests that this variant is likely to be tolerated. In summary, the available evidence is currently insufficient to determine the role of this variant in disease. Therefore, it has been classified as a Variant of Uncertain Significance.

Blueprint Genetics
Classification: Uncertain significance. Last evaluated: 2024-04-22. Review status: criteria provided, single submitter. Criteria: ACMG Guidelines, 2015. Collection method: clinical testing. Allele origin: germline.